The following is an entry in ClinVar:

NM_001009999.3(KDM1A):c.1046T>C (p.Leu349Pro)

Gene: KDM1A (lysine demethylase 1A; plus strand). Cytogenetic location: 1p36.12.
Variant type: single nucleotide variant.
Coding change: c.1046T>C on transcript NM_001009999.3 (MANE Select); coding-DNA position 1046, T replaced by C.
Protein change: p.Leu349Pro; replaces leucine 349 with proline.
Molecular consequence: missense variant.
Genome position (GRCh38, 1-based): chr1:23,057,539, T>C. VCF-style: chr1-23057539-T-C. GRCh37 (hg19) VCF-style: chr1-23384032-T-C.
Other names: c.986T>C, p.Leu329Pro (NM_001363654.2, NM_001410763.1, NM_015013.4); c.1046T>C, p.Leu349Pro (NM_001410762.1); short protein forms L349P, L329P.
Identifiers: ClinVar variation 5023063 (VCV005023063.1).

ClinVar aggregate classification (germline): Uncertain significance (1 of 4 stars; one submission).

Conditions:
Inborn genetic diseases. Identifiers: MedGen C0950123, MeSH D030342.

Submission:

Ambry Genetics
Classification: Uncertain significance for Inborn genetic diseases. Last evaluated: 2026-07-12. Review status: criteria provided, single submitter. Criteria: Ambry Variant Classification Scheme 2023. Collection method: clinical testing. Allele origin: germline.
Comment: The p.L349P variant (also known as c.1046T>C), located in coding exon 8 of the KDM1A gene, results from a T to C substitution at nucleotide position 1046. The leucine at codon 349 is replaced by proline, an amino acid with similar properties. This amino acid position is conserved. In addition, this alteration is predicted to be deleterious by in silico analysis. Based on the available evidence, the clinical significance of this variant remains unclear.